The following is an entry in ClinVar:

NM_001206999.2(CIT):c.5850T>G (p.Thr1950=)

Gene: CIT (citron rho-interacting serine/threonine kinase; minus strand). Cytogenetic location: 12q24.23.
Variant type: single nucleotide variant.
Coding change: c.5850T>G on transcript NM_001206999.2 (MANE Select); coding-DNA position 5850, T replaced by G.
Protein change: p.Thr1950=; no amino-acid change (threonine 1950 retained).
Molecular consequence: synonymous variant.
Genome position (GRCh38, 1-based): chr12:119,697,691, A>C on the plus strand (T>G on the coding strand, the complement: CIT is on the minus strand). VCF-style: chr12-119697691-A-C. GRCh37 (hg19) VCF-style: chr12-120135496-A-C.
Other names: c.5850T>G (NM_001206999.1); c.5724T>G, p.Thr1908= (NM_007174.3).
Identifiers: ClinVar variation 2161513 (VCV002161513.6), dbSNP rs201139538, ClinGen allele CA6820706.

ClinVar aggregate classification (germline): Likely benign. Review status: criteria provided, single submitter (1 of 4 stars). 2 submissions from 2 submitters: Likely benign (1). 1 of the submissions does not count toward it. Last evaluated 2025-02-24.

Conditions:
CIT-related disorder. Also called: CIT-related condition.

gnomAD v4.1: 45 of 1,614,080 alleles (0.0028%); highest among the groups gnomAD compares: Admixed American, 0.05%; no homozygotes.

Submissions (2):

Labcorp Genetics (formerly Invitae), Labcorp
Classification: Likely benign. Last evaluated: 2025-02-24. Review status: criteria provided, single submitter. Criteria: Invitae Variant Classification Sherloc (09022015). Collection method: clinical testing. Allele origin: germline.

PreventionGenetics, part of Exact Sciences
Classification: Likely benign for CIT-related condition. Last evaluated: 2022-05-03. Review status: no assertion criteria provided. Collection method: clinical testing. Allele origin: germline. Not counted in ClinVar's aggregate classification.
Comment: This variant is classified as likely benign based on ACMG/AMP sequence variant interpretation guidelines (Richards et al. 2015 PMID: 25741868, with internal and published modifications).